The following is an entry in ClinVar:

NM_000553.6(WRN):c.1898+4A>G

Gene: WRN (WRN RecQ like helicase; plus strand). Cytogenetic location: 8p12.
Variant type: single nucleotide variant.
Coding change: c.1898+4A>G on transcript NM_000553.6 (MANE Select); 4 bases into the intron after coding-DNA position 1898, A replaced by G.
Molecular consequence: intron variant.
Genome position (GRCh38, 1-based): chr8:31,091,902, A>G. VCF-style: chr8-31091902-A-G. GRCh37 (hg19) VCF-style: chr8-30949418-A-G.
Identifiers: ClinVar variation 2061971 (VCV002061971.4), dbSNP rs2535934258, ClinGen allele CA2580078178.
Genomic context (GRCh38, chr8:31,091,902, plus strand): 5'-CCCAGCTTGCTTCCTTGGATCAGCACAGTCAGAAAATGTTCTAACAGATATTAAATTGTG[A>G]GTAATTTTTTTCCCTCAACTTTTATTTTGGATTTATGGGGGTGCATATGCAAGTTTGTTA-3'

ClinVar aggregate classification (germline): Uncertain significance (1 of 4 stars; one submission).

Conditions:
Werner syndrome (WRN). Identifiers: Orphanet 902, MedGen C0043119, MONDO:0010196, OMIM 277700.

Allele frequency attached by ClinVar (database versions not stated): gnomAD exomes below 0.00001.
gnomAD v4.1: 3 of 1,612,706 alleles (0.00019%); highest among the groups gnomAD compares: African/African-American, 0.0027%; no homozygotes.

Submission:

Labcorp Genetics (formerly Invitae), Labcorp
Classification: Uncertain significance for Werner syndrome. Last evaluated: 2023-01-22. Review status: criteria provided, single submitter. Criteria: Invitae Variant Classification Sherloc (09022015). Collection method: clinical testing. Allele origin: germline.
Comment: In summary, the available evidence is currently insufficient to determine the role of this variant in disease. Therefore, it has been classified as a Variant of Uncertain Significance. Variants that disrupt the consensus splice site are a relatively common cause of aberrant splicing (PMID: 17576681, 9536098). Algorithms developed to predict the effect of sequence changes on RNA splicing suggest that this variant may disrupt the consensus splice site. This variant has not been reported in the literature in individuals affected with WRN-related conditions. This variant is not present in population databases (gnomAD no frequency). This sequence change falls in intron 16 of the WRN gene. It does not directly change the encoded amino acid sequence of the WRN protein. It affects a nucleotide within the consensus splice site.

Literature cited by the submitters: PubMed 17576681; PubMed 9536098.